The following is an entry in ClinVar:

ClinVar aggregate classification (germline): Conflicting classifications of pathogenicity. Review status: criteria provided, conflicting classifications (1 of 4 stars). 2 submissions from 2 submitters: Uncertain significance (1); Likely benign (1). Last evaluated 2025-11-09.

Conditions:
Hereditary cancer-predisposing syndrome. Also called: Tumor predisposition; Neoplastic Syndromes, Hereditary; Hereditary Cancer Syndrome; Hereditary neoplastic syndrome. Identifiers: Orphanet 140162, MedGen C0027672, MeSH D009386, MONDO:0015356.
Hereditary breast ovarian cancer syndrome. Also called: Hereditary breast and ovarian cancer; Breast and ovarian cancer; Hereditary breast and/or ovarian cancer syndrome; Hereditary breast and ovarian cancer syndrome; BRCA1- and BRCA2-Associated Hereditary Breast and Ovarian Cancer; Hereditary breast and ovarian cancer syndrome (HBOC). Identifiers: Orphanet 145, MedGen C0677776, MeSH D061325, MONDO:0003582. Disease mechanism: loss of function.

gnomAD v4.1: 1 of 1,614,034 alleles (0.000062%); highest among the groups gnomAD compares: Non-Finnish European, 0.000085%; no homozygotes.

Submissions (2):

Labcorp Genetics (formerly Invitae), Labcorp
Classification: Uncertain significance for Hereditary breast ovarian cancer syndrome. Last evaluated: 2025-11-09. Review status: criteria provided, single submitter. Criteria: Invitae Variant Classification Sherloc (09022015). Collection method: clinical testing. Allele origin: germline.
Comment: This sequence change replaces glutamic acid, which is acidic and polar, with glycine, which is neutral and non-polar, at codon 904 of the BRCA1 protein (p.Glu904Gly). This variant is not present in population databases (gnomAD no frequency). This variant has not been reported in the literature in individuals affected with BRCA1-related conditions. ClinVar contains an entry for this variant (Variation ID: 3481904). Invitae Evidence Modeling of protein sequence and biophysical properties (such as structural, functional, and spatial information, amino acid conservation, physicochemical variation, residue mobility, and thermodynamic stability) indicates that this missense variant is not expected to disrupt BRCA1 protein function with a negative predictive value of 80%. In summary, the available evidence is currently insufficient to determine the role of this variant in disease. Therefore, it has been classified as a Variant of Uncertain Significance.

Ambry Genetics
Classification: Likely benign for Hereditary cancer-predisposing syndrome. Last evaluated: 2024-11-22. Review status: criteria provided, single submitter. Criteria: Ambry Variant Classification Scheme 2023. Collection method: clinical testing. Allele origin: germline.

NM_007294.4(BRCA1):c.2711A>G (p.Glu904Gly)

Gene: BRCA1 (BRCA1 DNA repair associated; minus strand). Cytogenetic location: 17q21.31.
Variant type: single nucleotide variant.
Coding change: c.2711A>G on transcript NM_007294.4 (MANE Select); coding-DNA position 2711, A replaced by G.
Protein change: p.Glu904Gly; replaces glutamic acid 904 with glycine.
Molecular consequence: missense variant. On other transcripts: intron variant (137).
Genome position (GRCh38, 1-based): chr17:43,092,820, T>C on the plus strand (A>G on the coding strand, the complement: BRCA1 is on the minus strand). VCF-style: chr17-43092820-T-C. GRCh37 (hg19) VCF-style: chr17-41244837-T-C.
Other names: c.2570A>G, p.Glu857Gly (NM_001407694.1, NM_001407696.1, NM_001407695.1 and 29 more transcripts); c.2378A>G, p.Glu793Gly (NM_001407946.1, NM_001407947.1, NM_001407948.1 and 6 more transcripts); c.2375A>G, p.Glu792Gly (NM_001407954.1, NM_001407955.1, NM_001407956.1 and 1 more transcripts); c.2330A>G, p.Glu777Gly (NM_001407959.1, NM_001407960.1, NM_001407963.1); c.2327A>G, p.Glu776Gly (NM_001407962.1); c.2567A>G, p.Glu856Gly (NM_001407964.1, NM_001407740.1, NM_001407741.1 and 20 more transcripts); c.2207A>G, p.Glu736Gly (NM_001407965.1); c.1823A>G, p.Glu608Gly (NM_001407966.1, NM_001407967.1); and 41 more; short protein forms E736G, E777G, E901G, E903G, E836G, E856G, E776G, E793G.
Identifiers: ClinVar variation 3481904 (VCV003481904.2).